The following is an entry in ClinVar:

NM_000245.4(MET):c.1853C>T (p.Thr618Met)

Gene: MET (MET proto-oncogene, receptor tyrosine kinase; plus strand). Cytogenetic location: 7q31.2.
Variant type: single nucleotide variant.
Coding change: c.1853C>T on transcript NM_000245.4 (MANE Select); coding-DNA position 1853, C replaced by T.
Protein change: p.Thr618Met; replaces threonine 618 with methionine.
Molecular consequence: missense variant.
Genome position (GRCh38, 1-based): chr7:116,755,506, C>T. VCF-style: chr7-116755506-C-T. GRCh37 (hg19) VCF-style: chr7-116395560-C-T.
Other names: c.1853C>T, p.Thr618Met (NM_001127500.3, NM_001324401.3); c.563C>T, p.Thr188Met (NM_001324402.2); c.1853C>T (NM_001127500.2); short protein forms T618M, T188M.
Identifiers: ClinVar variation 246627 (VCV000246627.20), dbSNP rs753407699, ClinGen allele CA4448284.

ClinVar aggregate classification (germline): Conflicting classifications of pathogenicity. Review status: criteria provided, conflicting classifications (1 of 4 stars). 5 submissions from 5 submitters: Uncertain significance (4); Likely benign (1). Last evaluated 2026-05-01.

Conditions:
Papillary renal cell carcinoma type 1 (RCCP1). Also called: RENAL CELL CARCINOMA, PAPILLARY, 1, SOMATIC; Renal adenocarcinoma; Renal cell carcinoma 1; Renal cell carcinoma, somatic. Identifiers: Orphanet 47044, MedGen C1336839, OMIM 605074, HP:0011797.
Hepatocellular carcinoma (HCC). Also called: Primary carcinoma of liver; HEPATOMA; LIVER CELL CARCINOMA. Identifiers: Orphanet 88673, MedGen C2239176, MONDO:0007256, OMIM 114550, HP:0001402.
Osteofibrous dysplasia (OSFD). Also called: Tibia, bowing of, with pseudarthrosis and pectus excavatum. Identifiers: Orphanet 488265, MedGen C4085248, MONDO:0011806, OMIM 607278.
Autosomal recessive nonsyndromic hearing loss 97. Also called: Deafness, autosomal recessive 97. Identifiers: Orphanet 90636, MedGen C4084709, MONDO:0014739, OMIM 616705.
Arthrogryposis, distal, IIa 11. Also called: Arthrogryposis, distal, type 11. Identifiers: MedGen C5774205, MONDO:0031045, OMIM 620019.
Renal cell carcinoma. Identifiers: Orphanet 217071, MedGen C0007134, MeSH D002292, MONDO:0005086, HP:0005584.
Hereditary cancer-predisposing syndrome. Also called: Tumor predisposition; Hereditary neoplastic syndrome; Neoplastic Syndromes, Hereditary; Hereditary Cancer Syndrome. Identifiers: Orphanet 140162, MedGen C0027672, MeSH D009386, MONDO:0015356.

Allele frequency attached by ClinVar (database versions not stated): gnomAD 0.00003 and 0.00002; TOPMed 0.00003; gnomAD exomes 0.00001; ExAC 0.00002.
gnomAD v4.1: 11 of 1,613,870 alleles (0.00068%); highest among the groups gnomAD compares: African/African-American, 0.0053%; no homozygotes.

Submissions (5):

Ambry Genetics
Classification: Uncertain significance for Hereditary cancer-predisposing syndrome. Last evaluated: 2026-05-01. Review status: criteria provided, single submitter. Criteria: Ambry Variant Classification Scheme 2023. Collection method: clinical testing. Allele origin: germline.
Comment: The p.T618M variant (also known as c.1853C>T), located in coding exon 5 of the MET gene, results from a C to T substitution at nucleotide position 1853. The threonine at codon 618 is replaced by methionine, an amino acid with similar properties. This amino acid position is well conserved in available vertebrate species. In addition, the in silico prediction for this alteration is inconclusive. Since supporting evidence is limited at this time, the clinical significance of this alteration remains unclear.

Labcorp Genetics (formerly Invitae), Labcorp
Classification: Likely benign for Renal cell carcinoma. Last evaluated: 2025-12-16. Review status: criteria provided, single submitter. Criteria: Invitae Variant Classification Sherloc (09022015). Collection method: clinical testing. Allele origin: germline.

Fulgent Genetics
Classification: Uncertain significance for Hepatocellular carcinoma; Papillary renal cell carcinoma type 1; Osteofibrous dysplasia; Autosomal recessive nonsyndromic hearing loss 97; Arthrogryposis, distal, IIa 11. Last evaluated: 2024-02-08. Review status: criteria provided, single submitter. Criteria: ACMG Guidelines, 2015. Collection method: clinical testing. Allele origin: germline.

Quest Diagnostics Nichols Institute San Juan Capistrano
Classification: Uncertain significance. Last evaluated: 2023-10-05. Review status: criteria provided, single submitter. Criteria: Quest Diagnostics criteria. Collection method: clinical testing. Allele origin: unknown.

GeneDx
Classification: Uncertain significance. Last evaluated: 2023-08-02. Review status: criteria provided, single submitter. Criteria: GeneDx Variant Classification Process June 2021. Collection method: clinical testing. Allele origin: germline.
Comment: Not observed at significant frequency in large population cohorts (gnomAD); In silico analysis supports that this missense variant does not alter protein structure/function; Has not been previously published as pathogenic or benign to our knowledge